The following is an entry in ClinVar:

ClinVar aggregate classification (germline): Uncertain significance (1 of 4 stars; one submission).

Conditions:
Combined immunodeficiency due to LRBA deficiency. Also called: Common variable immunodeficiency 8, with autoimmunity. Identifiers: Orphanet 445018, MedGen C3553512, MONDO:0013863, OMIM 614700.

gnomAD v4.1: 1 of 1,607,966 alleles (0.000062%); highest among the groups gnomAD compares: Non-Finnish European, 0.000085%; no homozygotes.

Submission:

Labcorp Genetics (formerly Invitae), Labcorp
Classification: Uncertain significance for Combined immunodeficiency due to LRBA deficiency. Last evaluated: 2019-02-12. Review status: criteria provided, single submitter. Criteria: Invitae Variant Classification Sherloc (09022015). Collection method: clinical testing. Allele origin: germline.
Comment: This variant is not present in population databases (ExAC no frequency). In summary, the available evidence is currently insufficient to determine the role of this variant in disease. Therefore, it has been classified as a Variant of Uncertain Significance. Algorithms developed to predict the effect of missense changes on protein structure and function (SIFT, PolyPhen-2, Align-GVGD) all suggest that this variant is likely to be tolerated, but these predictions have not been confirmed by published functional studies and their clinical significance is uncertain. This variant has not been reported in the literature in individuals with LRBA-related conditions. This sequence change replaces proline with alanine at codon 11 of the LRBA protein (p.Pro11Ala). The proline residue is weakly conserved and there is a small physicochemical difference between proline and alanine.

NM_001364905.1(LRBA):c.31C>G (p.Pro11Ala)

Gene: LRBA (LPS responsive beige-like anchor protein; minus strand). Cytogenetic location: 4q31.3.
Variant type: single nucleotide variant.
Coding change: c.31C>G on transcript NM_001364905.1 (MANE Select); coding-DNA position 31, C replaced by G.
Protein change: p.Pro11Ala; replaces proline 11 with alanine.
Molecular consequence: missense variant.
Genome position (GRCh38, 1-based): chr4:151,014,612, G>C on the plus strand (C>G on the coding strand, the complement: LRBA is on the minus strand). VCF-style: chr4-151014612-G-C. GRCh37 (hg19) VCF-style: chr4-151935764-G-C.
Other names: c.31C>G, p.Pro11Ala (NM_001199282.3, NM_001367550.1, NM_006726.5); short protein forms P11A.
Identifiers: ClinVar variation 836450 (VCV000836450.9), dbSNP rs1745228616, ClinGen allele CA358611206.